The following is an entry in ClinVar:

NM_000037.4(ANK1):c.991A>T (p.Ile331Leu)

Gene: ANK1 (ankyrin 1; minus strand). Cytogenetic location: 8p11.21.
Variant type: single nucleotide variant.
Coding change: c.991A>T on transcript NM_000037.4 (MANE Select); coding-DNA position 991, A replaced by T.
Protein change: p.Ile331Leu; replaces isoleucine 331 with leucine.
Molecular consequence: missense variant.
Genome position (GRCh38, 1-based): chr8:41,719,777, T>A on the plus strand (A>T on the coding strand, the complement: ANK1 is on the minus strand). VCF-style: chr8-41719777-T-A. GRCh37 (hg19) VCF-style: chr8-41577295-T-A.
Other names: c.1090A>T, p.Ile364Leu (NM_001142446.2); c.991A>T, p.Ile331Leu (NM_020475.3, NM_020476.3, NM_020477.3); short protein forms I331L, I364L.
Identifiers: ClinVar variation 2771567 (VCV002771567.3), dbSNP rs1828772233, ClinGen allele CA371041285.

ClinVar aggregate classification (germline): Uncertain significance (1 of 4 stars; one submission).

gnomAD v4.1: 5 of 1,614,134 alleles (0.00031%); highest among the groups gnomAD compares: South Asian, 0.0055%; no homozygotes.

Submission:

Labcorp Genetics (formerly Invitae), Labcorp
Classification: Uncertain significance. Last evaluated: 2025-02-17. Review status: criteria provided, single submitter. Criteria: Invitae Variant Classification Sherloc (09022015). Collection method: clinical testing. Allele origin: germline.
Comment: This sequence change replaces isoleucine, which is neutral and non-polar, with leucine, which is neutral and non-polar, at codon 331 of the ANK1 protein (p.Ile331Leu). This variant is not present in population databases (gnomAD no frequency). This variant has not been reported in the literature in individuals affected with ANK1-related conditions. ClinVar contains an entry for this variant (Variation ID: 2771567). Invitae Evidence Modeling of protein sequence and biophysical properties (such as structural, functional, and spatial information, amino acid conservation, physicochemical variation, residue mobility, and thermodynamic stability) indicates that this missense variant is not expected to disrupt ANK1 protein function with a negative predictive value of 80%. In summary, the available evidence is currently insufficient to determine the role of this variant in disease. Therefore, it has been classified as a Variant of Uncertain Significance.